The following is an entry in ClinVar:

ClinVar aggregate classification (germline): Conflicting classifications of pathogenicity. Review status: criteria provided, conflicting classifications (1 of 4 stars). 8 submissions from 8 submitters: Uncertain significance (2); Benign (2); Likely benign (3). 1 of the submissions does not count toward it. Last evaluated 2026-01-12.

Conditions:
FLNA-related disorder.
Frontometaphyseal dysplasia (FMD1). Identifiers: Orphanet 1826, MedGen C0265293, MONDO:0015942.
Melnick-Needles syndrome (MNS). Also called: MELNICK-NEEDLES OSTEODYSPLASTY; Melnick-Needles Syndrome (FLNA-MNS); OSTEODYSPLASTY OF MELNICK AND NEEDLES. Identifiers: Orphanet 2484, MedGen C0025237, MONDO:0010650, OMIM 309350.
Oto-palato-digital syndrome, type II (OPD2). Also called: FACIOPALATOOSSEOUS SYNDROME; Otopalatodigital Syndrome Type 2 (FLNA-OPD2); Otopalatodigital Syndrome, Type II; OPD II SYNDROME. Identifiers: Orphanet 669, Orphanet 90652, MedGen C1844696, MONDO:0010571, OMIM 304120.
Heterotopia, periventricular, X-linked dominant (PVNH1). Also called: PERIVENTRICULAR NODULAR HETEROTOPIA 4; HETEROTOPIA, PERIVENTRICULAR, 1; X-linked periventricular heterotopia; PERIVENTRICULAR NODULAR HETEROTOPIA 1. Identifiers: Orphanet 2149, Orphanet 82004, MedGen C1848213, MONDO:0010233, OMIM 300049.
Familial thoracic aortic aneurysm and aortic dissection (TAAD). Also called: Thoracic aortic aneurysms and dissections. Identifiers: Orphanet 91387, MedGen C4707243, MONDO:0019625.

Allele frequency attached by ClinVar (database versions not stated): gnomAD 0.00005 and 0.00006; gnomAD exomes 0.00008 and 0.00035; TOPMed 0.00015; ExAC 0.00036.

Submissions (8):

Labcorp Genetics (formerly Invitae), Labcorp
Classification: Benign for Oto-palato-digital syndrome, type II; Heterotopia, periventricular, X-linked dominant; Frontometaphyseal dysplasia; Melnick-Needles syndrome. Last evaluated: 2026-01-12. Review status: criteria provided, single submitter. Criteria: Invitae Variant Classification Sherloc (09022015). Collection method: clinical testing. Allele origin: germline.

ARUP Laboratories, Molecular Genetics and Genomics, ARUP Laboratories
Classification: Uncertain significance. Last evaluated: 2024-12-09. Review status: criteria provided, single submitter. Criteria: ARUP Molecular Germline Variant Investigation Process 2024. Collection method: clinical testing. Allele origin: germline.
Comment: The FLNA c.1030G>A; p.Val344Ile variant (rs782007408), to our knowledge, is not reported in the medical literature but is reported in ClinVar (Variation ID: 282366). This variant is found in the general population with an overall allele frequency of 0.032% (65/203451 alleles) in the Genome Aggregation Database (v2.1.1). Computational analyses are uncertain whether this variant is neutral or deleterious (REVEL: 0.501). While the high population frequency suggests that this is likely a benign variant, given the lack of clinical and functional data, the significance of this variant is uncertain at this time.

Ambry Genetics
Classification: Benign for Familial thoracic aortic aneurysm and aortic dissection. Last evaluated: 2024-08-28. Review status: criteria provided, single submitter. Criteria: Ambry Variant Classification Scheme 2023. Collection method: clinical testing. Allele origin: germline.

Mayo Clinic Laboratories, Mayo Clinic
Classification: Uncertain significance. Last evaluated: 2023-10-23. Review status: criteria provided, single submitter. Criteria: ACMG Guidelines, 2015. Collection method: clinical testing. Allele origin: germline. Observed: 1 variant allele.
Comment: BS2, PP2, PM1

Blueprint Genetics
Classification: Likely benign. Last evaluated: 2020-05-04. Review status: criteria provided, single submitter. Criteria: ACMG Guidelines, 2015. Collection method: clinical testing. Allele origin: germline.

GeneDx
Classification: Likely benign. Last evaluated: 2020-04-20. Review status: criteria provided, single submitter. Criteria: GeneDx Variant Classification Process June 2021. Collection method: clinical testing. Allele origin: germline. Affected: yes.

Eurofins Ntd Llc (ga)
Classification: Likely benign. Last evaluated: 2016-03-17. Review status: criteria provided, single submitter. Criteria: EGL Classification Definitions 2015. Collection method: clinical testing. Allele origin: germline. Observed: 2 variant alleles, 2 heterozygotes.

PreventionGenetics, part of Exact Sciences
Classification: Likely benign for FLNA-related condition. Last evaluated: 2019-04-30. Review status: no assertion criteria provided. Collection method: clinical testing. Allele origin: germline. Not counted in ClinVar's aggregate classification.
Comment: This variant is classified as likely benign based on ACMG/AMP sequence variant interpretation guidelines (Richards et al. 2015 PMID: 25741868, with internal and published modifications).

NM_001110556.2(FLNA):c.1030G>A (p.Val344Ile)

Gene: FLNA (filamin A; minus strand). Cytogenetic location: Xq28.
Variant type: single nucleotide variant.
Coding change: c.1030G>A on transcript NM_001110556.2 (MANE Select); coding-DNA position 1030, G replaced by A.
Protein change: p.Val344Ile; replaces valine 344 with isoleucine.
Molecular consequence: missense variant.
Genome position (GRCh38, 1-based): chrX:154,366,597, C>T on the plus strand (G>A on the coding strand, the complement: FLNA is on the minus strand). VCF-style: chrX-154366597-C-T. GRCh37 (hg19) VCF-style: chrX-153594965-C-T.
Other names: p.Val344Ile; c.1030G>A, p.Val344Ile (NM_001456.4); c.1030G>A (NM_001110556.1); short protein forms V344I.
Identifiers: ClinVar variation 282366 (VCV000282366.24), dbSNP rs782007408, ClinGen allele CA10561294.
Genomic context (GRCh38, chrX:154,366,597, plus strand): 5'-GCCTCCCCCCTGGCCAAGGGCTCACCTTATGAGTCCCCGTCACCTCGGGGACGTACCAGA[C>T]GGAGAAGGTGCGGTTCTTGTCGTTATTGGCGGTCACTTTTGCCTGCAGTGGGAAGGAGCC-3'
Protein context (NP_001104026.1, residues 334-354): ANNDKNRTFS[Val344Ile]WYVPEVTGTH